The following is an entry in ClinVar:

NM_004523.4(KIF11):c.3143T>G (p.Leu1048Ter)

Gene: KIF11 (kinesin family member 11; plus strand). Cytogenetic location: 10q23.33.
Variant type: single nucleotide variant.
Coding change: c.3143T>G on transcript NM_004523.4 (MANE Select); coding-DNA position 3143, T replaced by G.
Protein change: p.Leu1048Ter; replaces leucine 1048 with a stop codon.
Molecular consequence: nonsense.
Genome position (GRCh38, 1-based): chr10:92,653,768, T>G. VCF-style: chr10-92653768-T-G. GRCh37 (hg19) VCF-style: chr10-94413525-T-G.
Other names: short protein forms L1048*.
Identifiers: ClinVar variation 3371011 (VCV003371011.1).

ClinVar aggregate classification (germline): Uncertain significance (1 of 4 stars; one submission).

Submission:

GeneDx
Classification: Uncertain significance. Last evaluated: 2024-03-26. Review status: criteria provided, single submitter. Criteria: GeneDx Variant Classification Process June 2021. Collection method: clinical testing. Allele origin: germline. Affected: yes.
Comment: Not observed at significant frequency in large population cohorts (gnomAD); Nonsense variant predicted to result in protein truncation as the last 9 amino acids are lost, although loss-of-function variants have not been reported downstream of this position in the protein; Has not been previously published as pathogenic or benign to our knowledge